The following is an entry in ClinVar:

ClinVar aggregate classification (germline): Pathogenic/Likely pathogenic. Review status: criteria provided, multiple submitters, no conflicts (2 of 4 stars). 2 submissions from 2 submitters: Pathogenic (1); Likely pathogenic (1). Last evaluated 2022-08-31.

Conditions:
Cardiovascular phenotype. Identifiers: MedGen CN230736.
Amyloidosis, hereditary systemic 1 (AMYLD1). Also called: Familial amyloid polyneuropathy; Transthyretin Amyloidosis; Hereditary oculoleptomeningeal amyloid angiopathy; Familial Transthyretin Amyloidosis; AMYLOID CARDIOMYOPATHY; Hereditary Transthyretin Amyloidosis. Identifiers: Orphanet 85447, Orphanet 85451, MedGen C2751492, MONDO:0971004, OMIM 105210.

Submissions (2):

Labcorp Genetics (formerly Invitae), Labcorp
Classification: Pathogenic for Amyloidosis, hereditary systemic 1. Last evaluated: 2022-08-31. Review status: criteria provided, single submitter. Criteria: Invitae Variant Classification Sherloc (09022015). Collection method: clinical testing. Allele origin: germline.
Comment: For these reasons, this variant has been classified as Pathogenic. This sequence change replaces aspartic acid, which is acidic and polar, with histidine, which is basic and polar, at codon 58 of the TTR protein (p.Asp58His). This variant is not present in population databases (gnomAD no frequency). This missense change has been observed in individual(s) with TTR-related conditions (PMID: 35933469). ClinVar contains an entry for this variant (Variation ID: 962411). Advanced modeling of protein sequence and biophysical properties (such as structural, functional, and spatial information, amino acid conservation, physicochemical variation, residue mobility, and thermodynamic stability) performed at Invitae indicates that this missense variant is expected to disrupt TTR protein function. This variant disrupts the p.Asp58 amino acid residue in TTR. Other variant(s) that disrupt this residue have been determined to be pathogenic (PMID: 10611949, 23346293, 25644864). This suggests that this residue is clinically significant, and that variants that disrupt this residue are likely to be disease-causing.

Ambry Genetics
Classification: Likely pathogenic for Cardiovascular phenotype. Last evaluated: 2020-05-20. Review status: criteria provided, single submitter. Criteria: Ambry Variant Classification Scheme 2023. Collection method: clinical testing. Allele origin: germline.
Comment: The p.D58H variant (also known as c.172G>C), located in coding exon 2 of the TTR gene, results from a G to C substitution at nucleotide position 172. The aspartic acid at codon 58 is replaced by histidine, an amino acid with similar properties. Based on internal structural analysis, this variant is anticipated to result in a significant decrease in structural stability (Zanotti G et al. Eur. J. Biochem., 1995 Dec;234:563-9; Ambry internal data). A known disease-causing mutation, p.D58A, has been described in the same codon (Tachibana N et al. Amyloid. 1999;6:282-8). This variant was not reported in population-based cohorts in the Genome Aggregation Database (gnomAD). This amino acid position is well conserved in available vertebrate species. In addition, the in silico prediction for this alteration is inconclusive. Based on the majority of available evidence to date, this variant is likely to be pathogenic.

Literature cited by the submitters: PubMed 35933469 (cited by Labcorp Genetics (formerly Invitae), Labcorp); PubMed 10611949 (cited by Labcorp Genetics (formerly Invitae), Labcorp); PubMed 23346293 (cited by Labcorp Genetics (formerly Invitae), Labcorp); PubMed 25644864 (cited by Labcorp Genetics (formerly Invitae), Labcorp).

NM_000371.4(TTR):c.172G>C (p.Asp58His)

Gene: TTR (transthyretin; plus strand). Cytogenetic location: 18q12.1.
Variant type: single nucleotide variant.
Coding change: c.172G>C on transcript NM_000371.4 (MANE Select); coding-DNA position 172, G replaced by C.
Protein change: p.Asp58His; replaces aspartic acid 58 with histidine.
Molecular consequence: missense variant.
Genome position (GRCh38, 1-based): chr18:31,592,998, G>C. VCF-style: chr18-31592998-G-C. GRCh37 (hg19) VCF-style: chr18-29172961-G-C.
Other names: short protein forms D58H.
Identifiers: ClinVar variation 962411 (VCV000962411.11), dbSNP rs2073494217, ClinGen allele CA402156827.